The following is an entry in ClinVar:

ClinVar aggregate classification (germline): Likely benign. Review status: criteria provided, multiple submitters, no conflicts (2 of 4 stars). 3 submissions from 3 submitters: Likely benign (2). 1 of the submissions does not count toward it. Last evaluated 2026-04-09.

Conditions:
Inborn genetic diseases. Identifiers: MedGen C0950123, MeSH D030342.
KMT2D-related disorder. Also called: KMT2D-Related Disorders.
Kabuki syndrome. Also called: NIIKAWA-KUROKI SYNDROME; Kabuki make-up syndrome. Identifiers: Orphanet 2322, MedGen C0796004, MONDO:0016512.

Allele frequency attached by ClinVar (database versions not stated): gnomAD 0.00001; gnomAD exomes 0.00002 and 0.00005; TOPMed 0.00002; ExAC 0.00003.
gnomAD v4.1: 14 of 1,613,838 alleles (0.00087%); highest among the groups gnomAD compares: Admixed American, 0.023%; no homozygotes.

Submissions (3):

Ambry Genetics
Classification: Likely benign for Inborn genetic diseases. Last evaluated: 2026-04-09. Review status: criteria provided, single submitter. Criteria: Ambry Variant Classification Scheme 2023. Collection method: clinical testing. Allele origin: germline.

Labcorp Genetics (formerly Invitae), Labcorp
Classification: Likely benign for Kabuki syndrome. Last evaluated: 2025-11-26. Review status: criteria provided, single submitter. Criteria: Invitae Variant Classification Sherloc (09022015). Collection method: clinical testing. Allele origin: germline.

PreventionGenetics, part of Exact Sciences
Classification: Likely benign for KMT2D-related condition. Last evaluated: 2021-04-15. Review status: no assertion criteria provided. Collection method: clinical testing. Allele origin: germline. Not counted in ClinVar's aggregate classification.
Comment: This variant is classified as likely benign based on ACMG/AMP sequence variant interpretation guidelines (Richards et al. 2015 PMID: 25741868, with internal and published modifications).

NM_003482.4(KMT2D):c.4368C>T (p.Cys1456=)

Gene: KMT2D (lysine methyltransferase 2D; minus strand). Cytogenetic location: 12q13.12.
Variant type: single nucleotide variant.
Coding change: c.4368C>T on transcript NM_003482.4 (MANE Select); coding-DNA position 4368, C replaced by T.
Protein change: p.Cys1456=; no amino-acid change (cysteine 1456 retained).
Molecular consequence: synonymous variant.
Genome position (GRCh38, 1-based): chr12:49,046,659, G>A on the plus strand (C>T on the coding strand, the complement: KMT2D is on the minus strand). VCF-style: chr12-49046659-G-A. GRCh37 (hg19) VCF-style: chr12-49440442-G-A.
Other names: c.4368C>T (NM_003482.3).
Identifiers: ClinVar variation 1594012 (VCV001594012.12), dbSNP rs757405824, ClinGen allele CA6547848.